The following is an entry in ClinVar:

NM_139058.3(ARX):c.306GGC[16] (p.Ala115_Thr116insAlaAlaAlaAlaAlaAla)

Genes: ARX (aristaless related homeobox; minus strand), LOC109610631 (aristaless related homeobox polyalanine expansion region; plus strand). Cytogenetic location: Xp21.3.
Variant type: Microsatellite.
Coding change: c.306GGC[16] on transcript NM_139058.3 (MANE Select); 16 copies in a row of the 3-base unit GGC starting at c.306; the reference has ten copies in a row; six copies, 18 bases duplicated.
Protein change: p.Ala115_Thr116insAlaAlaAlaAlaAlaAla.
Molecular consequence: inframe insertion.
Genome position (GRCh38, 1-based): chrX:25,013,660-25,013,677, GCCGCCGCCGCCGCCGCC duplicated on the plus strand (GGCGGCGGCGGCGGCGGC on the coding strand, the reverse complement: ARX is on the minus strand); duplicating any 18 consecutive bases within chrX:25,013,660-25,013,691 gives the same sequence; the position shown is the placement nearest the transcript's 3' end. VCF-style (leftmost placement, unchanged base first): chrX-25013659-T-TGCCGCCGCCGCCGCCGCC. GRCh37 (hg19) VCF-style: chrX-25031776-T-TGCCGCCGCCGCCGCCGCC.
Identifiers: ClinVar variation 3252464 (VCV003252464.1), dbSNP rs387906492.

ClinVar aggregate classification (germline): Uncertain significance (1 of 4 stars; one submission).

Submission:

GeneDx
Classification: Uncertain significance. Last evaluated: 2023-04-04. Review status: criteria provided, single submitter. Criteria: GeneDx Variant Classification Process June 2021. Collection method: clinical testing. Allele origin: germline. Affected: yes.
Comment: Alanine repeat expansion in the first polyalanine tract of the ARX protein, extending the allele to 22 repeats; Polyalanine repeat expansions of 18 or fewer repeats have been observed in unaffected adult males in population databases and undergoing testing at GeneDx (Lek et al., 2015); Polyalanine repeat expansions of 21-22 repeats have not been previously reported in the literature to our knowledge (HGMD); Not observed at significant frequency in large population cohorts (gnomAD); This variant is associated with the following publications: (PMID: 20300201)